The following is an entry in ClinVar:

NM_001382391.1(CSPP1):c.1997G>A (p.Arg666Lys)

Gene: CSPP1 (centrosome and spindle pole associated protein 1; plus strand). Cytogenetic location: 8q13.2.
Variant type: single nucleotide variant.
Coding change: c.1997G>A on transcript NM_001382391.1 (MANE Select); coding-DNA position 1997, G replaced by A.
Protein change: p.Arg666Lys; replaces arginine 666 with lysine.
Molecular consequence: missense variant. On other transcripts: intron variant (3).
Genome position (GRCh38, 1-based): chr8:67,149,804, G>A. VCF-style: chr8-67149804-G-A. GRCh37 (hg19) VCF-style: chr8-68062039-G-A.
Other names: c.1916G>A, p.Arg639Lys (NM_001363131.2); c.2063G>A, p.Arg688Lys (NM_001364869.1); c.1883G>A, p.Arg628Lys (NM_001364870.1); c.1982G>A, p.Arg661Lys (NM_024790.7); c.1934-4220G>A (NM_001363132.2); c.1853-4220G>A (NM_001363133.2); c.1079-4220G>A (NM_001291339.2); short protein forms R666K, R628K, R639K, R661K, R688K.
Identifiers: ClinVar variation 1391606 (VCV001391606.6), dbSNP rs1420249213, ClinGen allele CA371186050.

ClinVar aggregate classification (germline): Uncertain significance (1 of 4 stars; one submission).

Conditions:
Joubert syndrome 21 (JBTS21). Identifiers: MedGen C3810212, MONDO:0014288, OMIM 615636.

Allele frequency attached by ClinVar (database versions not stated): gnomAD exomes below 0.00001; gnomAD 0.00001; TOPMed 0.00001.
gnomAD v4.1: 8 of 1,591,882 alleles (0.0005%); highest among the groups gnomAD compares: African/African-American, 0.0014%; no homozygotes.

Submission:

Labcorp Genetics (formerly Invitae), Labcorp
Classification: Uncertain significance for Joubert syndrome 21. Last evaluated: 2022-10-18. Review status: criteria provided, single submitter. Criteria: Invitae Variant Classification Sherloc (09022015). Collection method: clinical testing. Allele origin: germline.
Comment: In summary, the available evidence is currently insufficient to determine the role of this variant in disease. Therefore, it has been classified as a Variant of Uncertain Significance. Algorithms developed to predict the effect of missense changes on protein structure and function output the following: SIFT: "Tolerated"; PolyPhen-2: "Benign"; Align-GVGD: "Class C0". The lysine amino acid residue is found in multiple mammalian species, which suggests that this missense change does not adversely affect protein function. ClinVar contains an entry for this variant (Variation ID: 1391606). This variant has not been reported in the literature in individuals affected with CSPP1-related conditions. This variant is present in population databases (no rsID available, gnomAD 0.007%). This sequence change replaces arginine, which is basic and polar, with lysine, which is basic and polar, at codon 661 of the CSPP1 protein (p.Arg661Lys).